The following is an entry in ClinVar:

NM_152383.5(DIS3L2):c.2170C>G (p.Arg724Gly)

Gene: DIS3L2 (DIS3 like 3'-5' exoribonuclease 2; plus strand). Cytogenetic location: 2q37.1.
Variant type: single nucleotide variant.
Coding change: c.2170C>G on transcript NM_152383.5 (MANE Select); coding-DNA position 2170, C replaced by G.
Protein change: p.Arg724Gly; replaces arginine 724 with glycine.
Molecular consequence: missense variant. On other transcripts: non-coding transcript variant (2), intron variant (1).
Genome position (GRCh38, 1-based): chr2:232,334,380, C>G. VCF-style: chr2-232334380-C-G. GRCh37 (hg19) VCF-style: chr2-233199090-C-G.
Other names: c.1582-8965C>G (NM_001257281.2); short protein forms R724G.
Identifiers: ClinVar variation 2807268 (VCV002807268.3), dbSNP rs773260717, ClinGen allele CA350977632.

ClinVar aggregate classification (germline): Uncertain significance (1 of 4 stars; one submission).

Conditions:
Perlman syndrome (PRLMNS). Identifiers: Orphanet 2849, MedGen C0796113, MONDO:0009965, OMIM 267000.

Submission:

Labcorp Genetics (formerly Invitae), Labcorp
Classification: Uncertain significance for Perlman syndrome. Last evaluated: 2022-11-18. Review status: criteria provided, single submitter. Criteria: Invitae Variant Classification Sherloc (09022015). Collection method: clinical testing. Allele origin: germline.
Comment: In summary, the available evidence is currently insufficient to determine the role of this variant in disease. Therefore, it has been classified as a Variant of Uncertain Significance. Advanced modeling of protein sequence and biophysical properties (such as structural, functional, and spatial information, amino acid conservation, physicochemical variation, residue mobility, and thermodynamic stability) performed at Invitae indicates that this missense variant is not expected to disrupt DIS3L2 protein function. This variant has not been reported in the literature in individuals affected with DIS3L2-related conditions. This variant is not present in population databases (gnomAD no frequency). This sequence change replaces arginine, which is basic and polar, with glycine, which is neutral and non-polar, at codon 724 of the DIS3L2 protein (p.Arg724Gly).